The following is an entry in ClinVar:

NM_001761.3(CCNF):c.1047G>T (p.Arg349=)

Gene: CCNF (cyclin F; plus strand). Cytogenetic location: 16p13.3.
Variant type: single nucleotide variant.
Coding change: c.1047G>T on transcript NM_001761.3 (MANE Select); coding-DNA position 1047, G replaced by T.
Protein change: p.Arg349=; no amino-acid change (arginine 349 retained).
Molecular consequence: synonymous variant.
Genome position (GRCh38, 1-based): chr16:2,445,575, G>T. VCF-style: chr16-2445575-G-T. GRCh37 (hg19) VCF-style: chr16-2495576-G-T.
Other names: c.123G>T, p.Arg41= (NM_001323538.2).
Identifiers: ClinVar variation 3051951 (VCV003051951.2), dbSNP rs144631476, ClinGen allele CA7842324.

ClinVar aggregate classification (germline): Likely benign (0 of 4 stars; one submission).

Conditions:
CCNF-related disorder. Also called: CCNF-related condition.

Allele frequency attached by ClinVar (database versions not stated): ExAC 0.00006; gnomAD 0.00010; TOPMed 0.00010; 1000 Genomes Project 30x 0.00016; 1000 Genomes Project 0.00020; ESP Exome Variant Server 0.00046.
gnomAD v4.1: 196 of 1,613,820 alleles (0.012%); highest among the groups gnomAD compares: Non-Finnish European, 0.016%; no homozygotes.

Submission:

PreventionGenetics, part of Exact Sciences
Classification: Likely benign for CCNF-related condition. Last evaluated: 2020-02-10. Review status: no assertion criteria provided. Collection method: clinical testing. Allele origin: germline.
Comment: This variant is classified as likely benign based on ACMG/AMP sequence variant interpretation guidelines (Richards et al. 2015 PMID: 25741868, with internal and published modifications).